The following is an entry in ClinVar:

NM_001458.5(FLNC):c.6802G>T (p.Glu2268Ter)

Genes: FLNC (filamin C; plus strand), FLNC-AS1 (FLNC antisense RNA 1; minus strand). Cytogenetic location: 7q32.1.
Variant type: single nucleotide variant.
Coding change: c.6802G>T on transcript NM_001458.5 (MANE Select); coding-DNA position 6802, G replaced by T.
Protein change: p.Glu2268Ter; replaces glutamic acid 2268 with a stop codon.
Molecular consequence: nonsense.
Genome position (GRCh38, 1-based): chr7:128,854,487, G>T. VCF-style: chr7-128854487-G-T. GRCh37 (hg19) VCF-style: chr7-128494541-G-T.
Other names: c.6703G>T, p.Glu2235Ter (NM_001127487.2); c.6802G>T (NM_001458.4); short protein forms E2235*, E2268*.
Identifiers: ClinVar variation 1070569 (VCV001070569.8), dbSNP rs1156444972, ClinGen allele CA369213739.
Genomic context (GRCh38, chr7:128,854,487, plus strand): 5'-CAGGACATGACTGCACAGGTGACCAGCCCATCGGGCAAGGTGGAAGCCGCAGAGATCGTC[G>T]AGGGCGAGGACAGCGCCTACAGCGTGCGCTTTGTGCCCCAGGAAATGGGGCCCCATACGG-3'

ClinVar aggregate classification (germline): Pathogenic. Review status: criteria provided, multiple submitters, no conflicts (2 of 4 stars). 2 submissions from 2 submitters: Pathogenic (2). Last evaluated 2026-08-14.

Conditions:
Cardiovascular phenotype. Identifiers: MedGen CN230736.
Myofibrillar myopathy 5. Also called: Filaminopathy (type); FILAMINOPATHY, AUTOSOMAL DOMINANT. Identifiers: Orphanet 171445, MedGen C1836050, MONDO:0012289, OMIM 609524.
Distal myopathy with posterior leg and anterior hand involvement. Also called: WILLIAMS DISTAL MYOPATHY. Identifiers: Orphanet 63273, MedGen C3279722, MONDO:0013550, OMIM 614065.
Hypertrophic cardiomyopathy 26. Also called: Cardiomyopathy, familial hypertrophic, 26. Identifiers: Orphanet 75249, MedGen C4310749, MONDO:0014883, OMIM 617047.

gnomAD v4.1: 1 of 1,606,916 alleles (0.000062%); highest among the groups gnomAD compares: Non-Finnish European, 0.000085%; no homozygotes.

Submissions (2):

Ambry Genetics
Classification: Pathogenic for Cardiovascular phenotype. Last evaluated: 2026-08-14. Review status: criteria provided, single submitter. Criteria: Ambry Variant Classification Scheme 2023. Collection method: clinical testing. Allele origin: germline.
Comment: The p.E2268* pathogenic mutation (also known as c.6802G>T), located in coding exon 41 of the FLNC gene, results from a G to T substitution at nucleotide position 6802. This changes the amino acid from a glutamic acid to a stop codon within coding exon 41. This variant is considered to be rare based on population cohorts in the Genome Aggregation Database (gnomAD). This alteration is expected to result in loss of function by premature protein truncation or nonsense-mediated mRNA decay. As such, this alteration is interpreted as a disease-causing mutation for autosomal dominant FLNC-related dilated cardiomyopathy; however, its clinical significance for autosomal dominant FLNC-related hypertrophy/restrictive cardiomyopathy and/or skeletal myopathy is uncertain.

Labcorp Genetics (formerly Invitae), Labcorp
Classification: Pathogenic for Distal myopathy with posterior leg and anterior hand involvement; Myofibrillar myopathy 5; Hypertrophic cardiomyopathy 26. Last evaluated: 2025-03-05. Review status: criteria provided, single submitter. Criteria: Invitae Variant Classification Sherloc (09022015). Collection method: clinical testing. Allele origin: germline.
Comment: This sequence change creates a premature translational stop signal (p.Glu2268*) in the FLNC gene. It is expected to result in an absent or disrupted protein product. Loss-of-function variants in FLNC are known to be pathogenic (PMID: 27908349). This variant is not present in population databases (gnomAD no frequency). This variant has not been reported in the literature in individuals affected with FLNC-related conditions. ClinVar contains an entry for this variant (Variation ID: 1070569). For these reasons, this variant has been classified as Pathogenic.

Literature cited by the submitters: PubMed 27908349 (cited by Labcorp Genetics (formerly Invitae), Labcorp).